The following is an entry in ClinVar:

ClinVar aggregate classification (germline): Uncertain significance (1 of 4 stars; one submission).

Submission:

GeneDx
Classification: Uncertain significance. Last evaluated: 2022-10-18. Review status: criteria provided, single submitter. Criteria: GeneDx Variant Classification Process June 2021. Collection method: clinical testing. Allele origin: germline. Affected: yes.
Comment: Not observed at significant frequency in large population cohorts (gnomAD); In silico analysis supports that this missense variant has a deleterious effect on protein structure/function; Has not been previously published as pathogenic or benign to our knowledge

NM_001378609.3(OTOGL):c.663C>A (p.Asp221Glu)

Gene: OTOGL (otogelin like; plus strand). Cytogenetic location: 12q21.31.
Variant type: single nucleotide variant.
Coding change: c.663C>A on transcript NM_001378609.3 (MANE Select); coding-DNA position 663, C replaced by A.
Protein change: p.Asp221Glu; replaces aspartic acid 221 with glutamic acid.
Molecular consequence: missense variant.
Genome position (GRCh38, 1-based): chr12:80,232,943, C>A. VCF-style: chr12-80232943-C-A. GRCh37 (hg19) VCF-style: chr12-80626723-C-A.
Other names: c.663C>A, p.Asp221Glu (NM_001368062.3, NM_001378610.3, NM_173591.7); short protein forms D221E.
Identifiers: ClinVar variation 2499881 (VCV002499881.1), dbSNP rs2540960321, ClinGen allele CA385857018.